The following is an entry in ClinVar:

ClinVar aggregate classification (germline): Conflicting classifications of pathogenicity. Review status: criteria provided, conflicting classifications (1 of 4 stars). 5 submissions from 5 submitters: Uncertain significance (1); Benign (1); Likely benign (2). 1 of the submissions does not count toward it. Last evaluated 2025-06-01.

Conditions:
SHANK3-related disorder. Also called: SHANK3-related condition.
Inborn genetic diseases. Identifiers: MedGen C0950123, MeSH D030342.

Allele frequency attached by ClinVar (database versions not stated): 1000 Genomes Project 30x 0.00031; TOPMed 0.00040; gnomAD exomes 0.00041 and 0.00088; gnomAD 0.00044 and 0.00046; ExAC 0.00046; ESP Exome Variant Server 0.00068.

Submissions (5):

CeGaT Center for Human Genetics Tuebingen
Classification: Likely benign. Last evaluated: 2025-06-01. Review status: criteria provided, single submitter. Criteria: CeGaT Center For Human Genetics Tuebingen Variant Classification Criteria Version 2. Collection method: clinical testing. Allele origin: germline. Affected: yes. Observed: 2 variant alleles.
Comment: SHANK3: PP2, BS1

Ambry Genetics
Classification: Likely benign for Inborn genetic diseases. Last evaluated: 2021-06-25. Review status: criteria provided, single submitter. Criteria: Ambry Variant Classification Scheme 2023. Collection method: clinical testing. Allele origin: germline.

GeneDx
Classification: Benign. Last evaluated: 2019-12-26. Review status: criteria provided, single submitter. Criteria: GeneDx Variant Classification Process June 2021. Collection method: clinical testing. Allele origin: germline. Affected: yes.

Eurofins Ntd Llc (ga)
Classification: Uncertain significance. Last evaluated: 2018-08-28. Review status: criteria provided, single submitter. Criteria: EGL ClinVar v180209 classification definitions. Collection method: clinical testing. Allele origin: germline. Observed: 2 variant alleles, 2 heterozygotes.

PreventionGenetics, part of Exact Sciences
Classification: Likely benign for SHANK3-related condition. Last evaluated: 2023-02-24. Review status: no assertion criteria provided. Collection method: clinical testing. Allele origin: germline. Not counted in ClinVar's aggregate classification.
Comment: This variant is classified as likely benign based on ACMG/AMP sequence variant interpretation guidelines (Richards et al. 2015 PMID: 25741868, with internal and published modifications).

NM_001372044.2(SHANK3):c.4259C>T (p.Pro1420Leu)

Gene: SHANK3 (SH3 and multiple ankyrin repeat domains 3; plus strand). Cytogenetic location: 22q13.33.
Variant type: single nucleotide variant.
Coding change: c.4259C>T on transcript NM_001372044.2 (MANE Select); coding-DNA position 4259, C replaced by T.
Protein change: p.Pro1420Leu; replaces proline 1420 with leucine.
Molecular consequence: missense variant.
Genome position (GRCh38, 1-based): chr22:50,721,867, C>T. VCF-style: chr22-50721867-C-T. GRCh37 (hg19) VCF-style: chr22-51160295-C-T.
Other names: NM_001080420.1:c.4082C>T; c.4034C>T, p.Pro1345Leu (NM_033517.1); short protein forms P1345L, P1420L.
Identifiers: ClinVar variation 598640 (VCV000598640.35), dbSNP rs73174429, ClinGen allele CA10326196.